The following is an entry in ClinVar:

ClinVar aggregate classification (germline): Likely pathogenic. Review status: criteria provided, single submitter (1 of 4 stars). 2 submissions from 2 submitters: Likely pathogenic (1). 1 of the submissions does not count toward it. Last evaluated 2023-04-15.

Conditions:
Merosin deficient congenital muscular dystrophy (MDC1A). Also called: Congenital Muscular Dystrophy Type 1A (MDC1A); Congenital merosin-deficient muscular dystrophy 1A. Identifiers: Orphanet 258, MedGen C1263858, MONDO:0011925, OMIM 607855.
LAMA2-related muscular dystrophy (LAMA2-RD). Also called: Laminin alpha 2-related dystrophy. Identifiers: MedGen C5679788, MONDO:0100228.

Allele frequency attached by ClinVar (database versions not stated): gnomAD exomes below 0.00001 and 0.00001; ExAC 0.00002.

Submissions (2):

Labcorp Genetics (formerly Invitae), Labcorp
Classification: Likely pathogenic for LAMA2-related muscular dystrophy. Last evaluated: 2023-04-15. Review status: criteria provided, single submitter. Criteria: Invitae Variant Classification Sherloc (09022015). Collection method: clinical testing. Allele origin: germline.
Comment: This variant is present in population databases (rs767784355, gnomAD 0.004%). This sequence change affects a splice site in intron 17 of the LAMA2 gene. It is expected to disrupt RNA splicing. Variants that disrupt the donor or acceptor splice site typically lead to a loss of protein function (PMID: 16199547), and loss-of-function variants in LAMA2 are known to be pathogenic (PMID: 18700894, 32904964). This variant has not been reported in the literature in individuals affected with LAMA2-related conditions. ClinVar contains an entry for this variant (Variation ID: 552295). Algorithms developed to predict the effect of sequence changes on RNA splicing suggest that this variant may disrupt the consensus splice site. In summary, the currently available evidence indicates that the variant is pathogenic, but additional data are needed to prove that conclusively. Therefore, this variant has been classified as Likely Pathogenic.

Counsyl
Classification: Likely pathogenic for Merosin deficient congenital muscular dystrophy. Last evaluated: 2017-06-02. Review status: no assertion criteria provided. Collection method: clinical testing. Allele origin: unknown. Not counted in ClinVar's aggregate classification.

Literature cited by the submitters: PubMed 16199547 (cited by Labcorp Genetics (formerly Invitae), Labcorp); PubMed 18700894 (cited by Labcorp Genetics (formerly Invitae), Labcorp); PubMed 32904964 (cited by Labcorp Genetics (formerly Invitae), Labcorp).

NM_000426.4(LAMA2):c.2451-1del

Gene: LAMA2 (laminin subunit alpha 2; plus strand). Cytogenetic location: 6q22.33.
Variant type: Deletion.
Coding change: c.2451-1del on transcript NM_000426.4 (MANE Select); the canonical splice acceptor site of the intron before coding-DNA position 2451, one base deleted (G; older notation c.2451-1delG).
Molecular consequence: splice acceptor variant.
Genome position (GRCh38, 1-based): chr6:129,280,060, G deleted. VCF-style (leftmost placement, unchanged base first): chr6-129280059-AG-A. GRCh37 (hg19) VCF-style: chr6-129601204-AG-A.
Other names: c.2451-1del (NM_001079823.2); c.2451-1delG (NM_000426.3).
Identifiers: ClinVar variation 552295 (VCV000552295.5), dbSNP rs767784355, ClinGen allele CA3992955.
Genomic context (GRCh38, chr6:129,280,059, plus strand): 5'-GCTAATGACTTTGTGTATGTCCTTCTTCCTTGTCCCTGTTTTCCGCAACAACATCAACAT[AG>A]CTTTAGCCCAACGTGCCATTTAGACCGGAGTCTTGGATTGATCTGTGATGGATGCCCTGT-3'